The following is an entry in ClinVar:

NM_005989.4(AKR1D1):c.675T>A (p.Ser225Arg)

Gene: AKR1D1 (aldo-keto reductase family 1 member D1; plus strand). Cytogenetic location: 7q33.
Variant type: single nucleotide variant.
Coding change: c.675T>A on transcript NM_005989.4 (MANE Select); coding-DNA position 675, T replaced by A.
Protein change: p.Ser225Arg; replaces serine 225 with arginine.
Molecular consequence: missense variant.
Genome position (GRCh38, 1-based): chr7:138,106,703, T>A. VCF-style: chr7-138106703-T-A. GRCh37 (hg19) VCF-style: chr7-137791449-T-A.
Other names: c.552T>A, p.Ser184Arg (NM_001190906.2); c.675T>A, p.Ser225Arg (NM_001190907.2); short protein forms S184R, S225R.
Identifiers: ClinVar variation 1030987 (VCV001030987.1), dbSNP rs1562937700, ClinGen allele CA369362256.

ClinVar aggregate classification (germline): Uncertain significance (1 of 4 stars; one submission).

Conditions:
Congenital bile acid synthesis defect 2 (CBAS2). Also called: CHOLESTASIS WITH DELTA(4)-3-OXOSTEROID 5-BETA-REDUCTASE DEFICIENCY. Identifiers: Orphanet 79303, MedGen C1856127, MONDO:0009339, OMIM 235555.

Submission:

Baylor Genetics
Classification: Uncertain significance for Congenital bile acid synthesis defect 2. Last evaluated: 2019-09-26. Review status: criteria provided, single submitter. Criteria: ACMG Guidelines, 2015. Collection method: clinical testing. Allele origin: unknown. Affected: yes.
Comment: This variant was determined to be of uncertain significance according to ACMG Guidelines, 2015 [PMID:25741868].